The following is an entry in ClinVar:

NM_002529.4(NTRK1):c.157G>A (p.Asp53Asn)

Gene: NTRK1 (neurotrophic receptor tyrosine kinase 1; plus strand). Cytogenetic location: 1q23.1.
Variant type: single nucleotide variant.
Coding change: c.157G>A on transcript NM_002529.4 (MANE Select); coding-DNA position 157, G replaced by A.
Protein change: p.Asp53Asn; replaces aspartic acid 53 with asparagine.
Molecular consequence: missense variant. On other transcripts: intron variant (1).
Genome position (GRCh38, 1-based): chr1:156,861,091, G>A. VCF-style: chr1-156861091-G-A. GRCh37 (hg19) VCF-style: chr1-156830883-G-A.
Other names: c.157G>A, p.Asp53Asn (NM_001012331.2); c.123-3263G>A (NM_001007792.1); short protein forms D53N.
Identifiers: ClinVar variation 661248 (VCV000661248.11), dbSNP rs200815412, ClinGen allele CA342929854.

ClinVar aggregate classification (germline): Uncertain significance. Review status: criteria provided, multiple submitters, no conflicts (2 of 4 stars). 3 submissions from 3 submitters: Uncertain significance (2). 1 of the submissions does not count toward it. Last evaluated 2026-03-30.

Conditions:
Hereditary insensitivity to pain with anhidrosis (CIPA). Also called: NTRK1 Congenital Insensitivity to Pain with Anhidrosis; HSAN Type IV; FAMILIAL DYSAUTONOMIA, TYPE II; hereditary sensory and autonomic neuropathy type 4; INSENSITIVITY TO PAIN, CONGENITAL, WITH ANHIDROSIS; NEUROPATHY, CONGENITAL SENSORY, WITH ANHIDROSIS. Identifiers: Orphanet 642, MedGen C0020074, MONDO:0009746, OMIM 256800.

Allele frequency attached by ClinVar (database versions not stated): TOPMed 0.00001.
gnomAD v4.1: 7 of 1,584,258 alleles (0.00044%); highest among the groups gnomAD compares: Non-Finnish European, 0.0006%; no homozygotes.

Submissions (3):

Myriad Genetics, Inc.
Classification: Uncertain significance for Hereditary insensitivity to pain with anhidrosis. Last evaluated: 2026-03-30. Review status: criteria provided, single submitter. Criteria: Myriad Autosomal Dominant, Autosomal Recessive and X-Linked Classification Criteria (2023). Collection method: clinical testing. Allele origin: unknown.
Comment: NM_002529.3(NTRK1):c.157G>A(D53N) is a missense variant classified as a variant of uncertain significance in the context of congenital insensitivity to pain with anhidrosis, NTRK1-related. D53N has not been observed in cases with relevant disease. Relevant functional assessments of this variant are not available in the literature. D53N has been observed in referenced population frequency databases. In summary, there is insufficient evidence to classify NM_002529.3(NTRK1):c.157G>A(D53N) as pathogenic or benign. Please note: this variant was assessed in the context of healthy population screening.

Labcorp Genetics (formerly Invitae), Labcorp
Classification: Uncertain significance for Hereditary insensitivity to pain with anhidrosis. Last evaluated: 2021-09-01. Review status: criteria provided, single submitter. Criteria: Invitae Variant Classification Sherloc (09022015). Collection method: clinical testing. Allele origin: germline.
Comment: This sequence change replaces aspartic acid with asparagine at codon 53 of the NTRK1 protein (p.Asp53Asn). The aspartic acid residue is weakly conserved and there is a small physicochemical difference between aspartic acid and asparagine. This variant is not present in population databases (ExAC no frequency). This variant has not been reported in the literature in individuals affected with NTRK1-related conditions. Algorithms developed to predict the effect of missense changes on protein structure and function (SIFT, PolyPhen-2, Align-GVGD) all suggest that this variant is likely to be tolerated. In summary, the available evidence is currently insufficient to determine the role of this variant in disease. Therefore, it has been classified as a Variant of Uncertain Significance.

Natera, Inc.
Classification: Uncertain significance for Hereditary insensitivity to pain with anhidrosis. Last evaluated: 2020-03-07. Review status: no assertion criteria provided. Collection method: clinical testing. Allele origin: germline. Not counted in ClinVar's aggregate classification.